The following is an entry in ClinVar:

NC_012920.1(MT-CO2):m.8187G>A

Gene: MT-CO2 (mitochondrially encoded cytochrome c oxidase II; plus strand).
Variant type: single nucleotide variant.
Genome position: chrM-8187-G-A.
Identifiers: ClinVar variation 692824 (VCV000692824.1), dbSNP rs1603221319, ClinGen allele CA414795409.

ClinVar aggregate classification (germline): Uncertain significance (1 of 4 stars; one submission).

Conditions:
Leigh syndrome (NULS). Also called: Leigh's necrotizing encephalopathy; Leigh's disease; Leigh Syndrome (mtDNA deletion); Leigh Disease; Subacute necrotizing encephalopathy; Necrotizing encephalopathy infantile subacute of Leigh. Identifiers: Orphanet 506, MedGen C2931891, MONDO:0009723, OMIM 256000.

Submission:

Wong Mito Lab, Molecular and Human Genetics, Baylor College of Medicine
Classification: Uncertain significance for Leigh syndrome. Last evaluated: 2019-10-17. Review status: criteria provided, single submitter. Criteria: Modified ACMG Guidelines (Unpublished). Collection method: clinical testing. Allele origin: germline.
Comment: The NC_012920.1:m.8187G>A (YP_003024029.1:p.Gly201Glu) variant in MTCO2 gene is interpretated to be a Uncertain Significance variant based on the modified ACMG guidelines (unpublished). This variant meets the following evidence codes: PM9, PP4, PP7,